The following is an entry in ClinVar:

NM_003737.4(DCHS1):c.1150C>T (p.Leu384Phe)

Gene: DCHS1 (dachsous cadherin-related 1; minus strand). Cytogenetic location: 11p15.4.
Variant type: single nucleotide variant.
Coding change: c.1150C>T on transcript NM_003737.4 (MANE Select); coding-DNA position 1150, C replaced by T.
Protein change: p.Leu384Phe; replaces leucine 384 with phenylalanine.
Molecular consequence: missense variant.
Genome position (GRCh38, 1-based): chr11:6,640,464, G>A on the plus strand (C>T on the coding strand, the complement: DCHS1 is on the minus strand). VCF-style: chr11-6640464-G-A. GRCh37 (hg19) VCF-style: chr11-6661695-G-A.
Other names: short protein forms L384F.
Identifiers: ClinVar variation 2866668 (VCV002866668.3), dbSNP rs2493841433, ClinGen allele CA379436437.

ClinVar aggregate classification (germline): Uncertain significance (1 of 4 stars; one submission).

Submission:

Labcorp Genetics (formerly Invitae), Labcorp
Classification: Uncertain significance. Last evaluated: 2023-05-21. Review status: criteria provided, single submitter. Criteria: Invitae Variant Classification Sherloc (09022015). Collection method: clinical testing. Allele origin: germline.
Comment: This sequence change replaces leucine, which is neutral and non-polar, with phenylalanine, which is neutral and non-polar, at codon 384 of the DCHS1 protein (p.Leu384Phe). This variant is not present in population databases (gnomAD no frequency). This variant has not been reported in the literature in individuals affected with DCHS1-related conditions. Advanced modeling of protein sequence and biophysical properties (such as structural, functional, and spatial information, amino acid conservation, physicochemical variation, residue mobility, and thermodynamic stability) performed at Invitae indicates that this missense variant is not expected to disrupt DCHS1 protein function. In summary, the available evidence is currently insufficient to determine the role of this variant in disease. Therefore, it has been classified as a Variant of Uncertain Significance.